The following is an entry in ClinVar:

NM_017636.4(TRPM4):c.1870G>A (p.Val624Ile)

Gene: TRPM4 (transient receptor potential cation channel subfamily M member 4; plus strand). Cytogenetic location: 19q13.33.
Variant type: single nucleotide variant.
Coding change: c.1870G>A on transcript NM_017636.4 (MANE Select); coding-DNA position 1870, G replaced by A.
Protein change: p.Val624Ile; replaces valine 624 with isoleucine.
Molecular consequence: missense variant.
Genome position (GRCh38, 1-based): chr19:49,188,767, G>A. VCF-style: chr19-49188767-G-A. GRCh37 (hg19) VCF-style: chr19-49692024-G-A.
Other names: c.1870G>A, p.Val624Ile (NM_001195227.2); c.1525G>A, p.Val509Ile (NM_001321281.2); c.262G>A, p.Val88Ile (NM_001321282.2); c.1348G>A, p.Val450Ile (NM_001321283.2); c.808G>A, p.Val270Ile (NM_001321285.2); short protein forms V270I, V450I, V624I, V88I, V509I.
Identifiers: ClinVar variation 1781685 (VCV001781685.2), dbSNP rs1426647583, ClinGen allele CA406803394.
Genomic context (GRCh38, chr19:49,188,767, plus strand): 5'-CCTGACGCTGAGGAGGCAGCACGGAGGAAAGACCTGGCGTTCAAGTTTGAGGGGATGGGC[G>A]TTGGTGCGTGGGGCACGGTGCCTGGGAGCAGGGACGGGGGCTGCCGCCAGAGGGGGATGT-3'
Protein context (NP_060106.2, residues 614-634): DLAFKFEGMG[Val624Ile]DLFGECYRSS

ClinVar aggregate classification (germline): Uncertain significance (1 of 4 stars; one submission).

Conditions:
Cardiovascular phenotype. Identifiers: MedGen CN230736.

Allele frequency attached by ClinVar (database versions not stated): TOPMed below 0.00001; gnomAD 0.00001.
gnomAD v4.1: 21 of 1,613,978 alleles (0.0013%); highest among the groups gnomAD compares: East Asian, 0.033%; no homozygotes.

Submission:

Ambry Genetics
Classification: Uncertain significance for Cardiovascular phenotype. Last evaluated: 2020-01-31. Review status: criteria provided, single submitter. Criteria: Ambry Variant Classification Scheme 2023. Collection method: clinical testing. Allele origin: germline.
Comment: The p.V624I variant (also known as c.1870G>A), located in coding exon 13 of the TRPM4 gene, results from a G to A substitution at nucleotide position 1870. The valine at codon 624 is replaced by isoleucine, an amino acid with highly similar properties. This amino acid position is not well conserved in available vertebrate species, and isoleucine is the reference amino acid in other vertebrate species. In addition, this alteration is predicted to be tolerated by in silico analysis. Since supporting evidence is limited at this time, the clinical significance of this alteration remains unclear.